The following is an entry in ClinVar:

ClinVar aggregate classification (germline): Benign. Review status: criteria provided, multiple submitters, no conflicts (2 of 4 stars). 3 submissions from 3 submitters: Benign (2). 1 of the submissions does not count toward it. Last evaluated 2025-12-15.

Conditions:
MBTPS1-related disorder. Also called: MBTPS1-related condition.

Allele frequency attached by ClinVar (database versions not stated): gnomAD 0.00055 and 0.00058; gnomAD exomes 0.00055 and 0.00099; ExAC 0.00063; TOPMed 0.00065; ESP Exome Variant Server 0.00069.
gnomAD v4.1: 932 of 1,613,996 alleles (0.058%); highest among the groups gnomAD compares: Middle Eastern, 0.033%; 6 homozygotes.

Submissions (3):

Labcorp Genetics (formerly Invitae), Labcorp
Classification: Benign. Last evaluated: 2025-12-15. Review status: criteria provided, single submitter. Criteria: Invitae Variant Classification Sherloc (09022015). Collection method: clinical testing. Allele origin: germline.

Breakthrough Genomics
Classification: Benign. Review status: criteria provided, single submitter. Criteria: ACMG Guidelines, 2015. Collection method: not provided. Allele origin: germline. Inheritance: Autosomal recessive inheritance. Affected: yes.

PreventionGenetics, part of Exact Sciences
Classification: Benign for MBTPS1-related condition. Last evaluated: 2019-05-28. Review status: no assertion criteria provided. Collection method: clinical testing. Allele origin: germline. Not counted in ClinVar's aggregate classification.
Comment: This variant is classified as benign based on ACMG/AMP sequence variant interpretation guidelines (Richards et al. 2015 PMID: 25741868, with internal and published modifications).

NM_003791.4(MBTPS1):c.906C>T (p.Asp302=)

Genes: MBTPS1 (membrane bound transcription factor peptidase, site 1; minus strand), LOC126862423 (CDK7 strongly-dependent group 2 enhancer GRCh37_chr16:84125154-84126353; plus strand). Cytogenetic location: 16q23.3.
Variant type: single nucleotide variant.
Coding change: c.906C>T on transcript NM_003791.4 (MANE Select); coding-DNA position 906, C replaced by T.
Protein change: p.Asp302=; no amino-acid change (aspartic acid 302 retained).
Molecular consequence: synonymous variant.
Genome position (GRCh38, 1-based): chr16:84,091,789, G>A on the plus strand (C>T on the coding strand, the complement: MBTPS1 is on the minus strand). VCF-style: chr16-84091789-G-A. GRCh37 (hg19) VCF-style: chr16-84125394-G-A.
Other names: c.906C>T (NM_003791.3).
Identifiers: ClinVar variation 1539826 (VCV001539826.11), dbSNP rs113848224, ClinGen allele CA8201581.
Genomic context (GRCh38, chr16:84,091,789, plus strand): 5'-AACCTTGTCAACAAACGGATGATCCATGAAGTCCGGGCCGCCGATGCTGAGGTTTAACAC[G>A]TCGATCTTCTTTAAAATGGCATAGTTGAAGGCGTCCAAAAACCAAGATGTGTAAGATACC-3'
Protein context (NP_003782.1, residues 292-312): AFNYAILKKI[Asp302=]VLNLSIGGPD